The following is an entry in ClinVar:

ClinVar aggregate classification (germline): Likely pathogenic (1 of 4 stars; one submission).

Submission:

GeneDx
Classification: Likely pathogenic. Last evaluated: 2026-04-21. Review status: criteria provided, single submitter. Criteria: GeneDx Variant Classification Process June 2021. Collection method: clinical testing. Allele origin: germline.
Comment: Not observed at significant frequency in large population cohorts (gnomAD); In silico analysis supports that this missense variant has a deleterious effect on protein structure/function; This variant is associated with the following publications: (PMID: 39843638)

NM_024496.4(IRF2BPL):c.1160C>T (p.Pro387Leu)

Gene: IRF2BPL (interferon regulatory factor 2 binding protein like; minus strand). Cytogenetic location: 14q24.3.
Variant type: single nucleotide variant.
Coding change: c.1160C>T on transcript NM_024496.4 (MANE Select); coding-DNA position 1160, C replaced by T.
Protein change: p.Pro387Leu; replaces proline 387 with leucine.
Molecular consequence: missense variant.
Genome position (GRCh38, 1-based): chr14:77,026,633, G>A on the plus strand (C>T on the coding strand, the complement: IRF2BPL is on the minus strand). VCF-style: chr14-77026633-G-A. GRCh37 (hg19) VCF-style: chr14-77492976-G-A.
Other names: short protein forms P387L.
Identifiers: ClinVar variation 5036923 (VCV005036923.1).
Genomic context (GRCh38, chr14:77,026,633, plus strand): 5'-GCGTCGAAGGCGAAAACGCGGCCCAGCAGCGAGTGGTCCTTCTTGAAGCGAACCTCGTAG[G>A]GCGTGCAGCCTGCCAGCGTGAGCAGCGTGTCGCGGACCATCTTGGGCTTGCTGGCCCACT-3'
Protein context (NP_078772.1, residues 377-397): DTLLTLAGCT[Pro387Leu]YEVRFKKDHS